The following is an entry in ClinVar:

ClinVar aggregate classification (germline): Uncertain significance. Review status: criteria provided, multiple submitters, no conflicts (2 of 4 stars). 2 submissions from 2 submitters: Uncertain significance (2). Last evaluated 2025-04-07.

Conditions:
Hereditary breast ovarian cancer syndrome. Also called: Hereditary breast and/or ovarian cancer syndrome; BRCA1- and BRCA2-Associated Hereditary Breast and Ovarian Cancer; Hereditary breast and ovarian cancer syndrome; Hereditary breast and ovarian cancer; Hereditary breast and ovarian cancer syndrome (HBOC); Breast and ovarian cancer. Identifiers: Orphanet 145, MedGen C0677776, MeSH D061325, MONDO:0003582. Disease mechanism: loss of function.
Hereditary cancer-predisposing syndrome. Also called: Tumor predisposition; Hereditary Cancer Syndrome; Hereditary neoplastic syndrome; Neoplastic Syndromes, Hereditary. Identifiers: Orphanet 140162, MedGen C0027672, MeSH D009386, MONDO:0015356.

Allele frequency attached by ClinVar (database versions not stated): gnomAD exomes below 0.00001.
gnomAD v4.1: 1 of 1,614,156 alleles (0.000062%); highest among the groups gnomAD compares: Non-Finnish European, 0.000085%; no homozygotes.

Submissions (3):

Ambry Genetics
Classification: Uncertain significance for Hereditary cancer-predisposing syndrome. Last evaluated: 2025-04-07. Review status: criteria provided, single submitter. Criteria: Ambry Variant Classification Scheme 2023. Collection method: clinical testing. Allele origin: germline.
Comment: The p.A1830E variant (also known as c.5489C>A), located in coding exon 22 of the BRCA1 gene, results from a C to A substitution at nucleotide position 5489. The alanine at codon 1830 is replaced by glutamic acid, an amino acid with dissimilar properties. This alteration has been detected in 1/2575 unselected patients with breast cancer and 0/2809 healthy control individuals from a Malaysian cohort (Wen WX et al. J Med Genet, 2018 Feb;55:97-103). This amino acid position is well conserved in available vertebrate species. In addition, the in silico prediction for this alteration is inconclusive. Based on the available evidence, the clinical significance of this variant remains unclear.

Labcorp Genetics (formerly Invitae), Labcorp
Classification: Uncertain significance for Hereditary breast ovarian cancer syndrome. Last evaluated: 2025-03-04. Review status: criteria provided, single submitter. Criteria: Invitae Variant Classification Sherloc (09022015). Collection method: clinical testing. Allele origin: germline.
Comment: This sequence change replaces alanine, which is neutral and non-polar, with glutamic acid, which is acidic and polar, at codon 1830 of the BRCA1 protein (p.Ala1830Glu). This variant is not present in population databases (gnomAD no frequency). This missense change has been observed in individual(s) with BRCA1-related conditions (PMID: 28993434). ClinVar contains an entry for this variant (Variation ID: 864932). Invitae Evidence Modeling of protein sequence and biophysical properties (such as structural, functional, and spatial information, amino acid conservation, physicochemical variation, residue mobility, and thermodynamic stability) indicates that this missense variant is not expected to disrupt BRCA1 protein function with a negative predictive value of 95%. In summary, the available evidence is currently insufficient to determine the role of this variant in disease. Therefore, it has been classified as a Variant of Uncertain Significance.

Brotman Baty Institute, University of Washington
No classification provided (evidence only). Condition: Breast-ovarian cancer, familial 1. Review status: no classification provided. Collection method: in vitro. Allele origin: not applicable. Functional consequence: function_uncertain_variant. Not counted in ClinVar's aggregate classification.
ClinVar note: "not provided" was previously submitted as the classification for the variant. However, the classification appeared to be based only on an observation of functional data so it was converted to no classification on 2025-07-30.

Literature cited by the submitters: PubMed 28993434 (cited by Ambry Genetics and Labcorp Genetics (formerly Invitae), Labcorp).

NM_007294.4(BRCA1):c.5489C>A (p.Ala1830Glu)

Gene: BRCA1 (BRCA1 DNA repair associated; minus strand). Cytogenetic location: 17q21.31.
Variant type: single nucleotide variant.
Coding change: c.5489C>A on transcript NM_007294.4 (MANE Select); coding-DNA position 5489, C replaced by A.
Protein change: p.Ala1830Glu; replaces alanine 1830 with glutamic acid.
Molecular consequence: missense variant. On other transcripts: 3 prime UTR variant (1), non-coding transcript variant (1).
Genome position (GRCh38, 1-based): chr17:43,045,781, G>T on the plus strand (C>A on the coding strand, the complement: BRCA1 is on the minus strand). VCF-style: chr17-43045781-G-T. GRCh37 (hg19) VCF-style: chr17-41197798-G-T.
Other names: c.5345C>A, p.Ala1782Glu (NM_001407735.1, NM_001407736.1, NM_001407737.1 and 18 more transcripts); c.5486C>A, p.Ala1829Glu (NM_001407611.1, NM_001407612.1, NM_001407613.1 and 14 more transcripts); c.5483C>A, p.Ala1828Glu (NM_001407630.1, NM_001407631.1, NM_001407632.1 and 13 more transcripts); c.5411C>A, p.Ala1804Glu (NM_001407652.1, NM_001407653.1, NM_001407654.1 and 1 more transcripts); c.5408C>A, p.Ala1803Glu (NM_001407656.1, NM_001407657.1, NM_001407658.1); c.5405C>A, p.Ala1802Glu (NM_001407659.1, NM_001407660.1, NM_001407661.1 and 2 more transcripts); c.5363C>A, p.Ala1788Glu (NM_001407671.1, NM_001407672.1, NM_001407673.1 and 8 more transcripts); c.5357C>A, p.Ala1786Glu (NM_001407690.1, NM_001407691.1); and 74 more; short protein forms A1783E, A1851E, A726E, A1830E, A1701E, A1741E, A1742E, A1758E.
Identifiers: ClinVar variation 864932 (VCV000864932.5), dbSNP rs2050883748, ClinGen allele CA10590326.
Genomic context (GRCh38, chr17:43,045,781, plus strand): 5'-AGCTCCTGGCACTGGTAGAGTGCTACACTGTCCAACACCCACTCTCGGGTCACCACAGGT[G>T]CCTCACACATCTGCCCAATTGCTGGAGACAGAGAACACAAGCAGAGATTAGTGTCAATTC-3'
Protein context (NP_009225.1, residues 1820-1840): GFHAIGQMCE[Ala1830Glu]PVVTREWVLD